The following is an entry in ClinVar:

ClinVar aggregate classification (germline): Uncertain significance (1 of 4 stars; one submission).

Conditions:
Kabuki syndrome 2 (KABUK2). Also called: KDM6A-Related Kabuki Syndrome. Identifiers: Orphanet 2322, MedGen C3275495, MONDO:0010465, OMIM 300867.

Allele frequency attached by ClinVar (database versions not stated): gnomAD exomes below 0.00001; TOPMed 0.00001.
gnomAD v4.1: 1 of 1,057,348 alleles (0.000095%); highest among the groups gnomAD compares: Non-Finnish European, 0.00012%; no homozygotes.

Submission:

Baylor Genetics
Classification: Uncertain significance for Kabuki syndrome 2. Last evaluated: 2020-10-09. Review status: criteria provided, single submitter. Criteria: ACMG Guidelines, 2015. Collection method: clinical testing. Allele origin: unknown. Affected: yes.
Comment: This variant was determined to be of uncertain significance according to ACMG Guidelines, 2015 [PMID:25741868].

NM_001291415.2(KDM6A):c.1474A>T (p.Ser492Cys)

Gene: KDM6A (lysine demethylase 6A; plus strand). Cytogenetic location: Xp11.3.
Variant type: single nucleotide variant.
Coding change: c.1474A>T on transcript NM_001291415.2 (MANE Select); coding-DNA position 1474, A replaced by T.
Protein change: p.Ser492Cys; replaces serine 492 with cysteine.
Molecular consequence: missense variant. On other transcripts: non-coding transcript variant (1), intron variant (4).
Genome position (GRCh38, 1-based): chrX:45,060,753, A>T. VCF-style: chrX-45060753-A-T. GRCh37 (hg19) VCF-style: chrX-44919998-A-T.
Other names: c.1339A>T, p.Ser447Cys (NM_001291416.2); c.1330-571A>T (NM_021140.4); c.1195-571A>T (NM_001291417.2, NM_001291418.2); c.442-571A>T (NM_001291421.2); short protein forms S447C, S492C.
Identifiers: ClinVar variation 1029307 (VCV001029307.1), dbSNP rs1438320100, ClinGen allele CA412784476.
Genomic context (GRCh38, chrX:45,060,753, plus strand): 5'-ATGATTCCTTCTAGCCAAGTAGATGACCTGTCCAGTCCTGCCAAGAGGAAAAGAACATCT[A>T]GTCCAACAAAGGTATATGTTTTAGAGAAATAGAAAATCCCAGTCAAAAAAGAAGTTTCAG-3'
Protein context (NP_001278344.1, residues 482-502): SSPAKRKRTS[Ser492Cys]PTKNTSDNWS